The following is an entry in ClinVar:

NM_001710.6(CFB):c.149G>A (p.Arg50Gln)

Gene: CFB (complement factor B; plus strand). Cytogenetic location: 6p21.33.
Variant type: single nucleotide variant.
Coding change: c.149G>A on transcript NM_001710.6 (MANE Select); coding-DNA position 149, G replaced by A.
Protein change: p.Arg50Gln; replaces arginine 50 with glutamine.
Molecular consequence: missense variant.
Genome position (GRCh38, 1-based): chr6:31,946,457, G>A. VCF-style: chr6-31946457-G-A. GRCh37 (hg19) VCF-style: chr6-31914234-G-A.
Other names: short protein forms R50Q.
Identifiers: ClinVar variation 1422280 (VCV001422280.8), dbSNP rs769314843, ClinGen allele CA3727959.

ClinVar aggregate classification (germline): Uncertain significance (1 of 4 stars; one submission).

Allele frequency attached by ClinVar (database versions not stated): gnomAD exomes 0.00001 and 0.00006; gnomAD 0.00005; ExAC 0.00006; TOPMed 0.00012.
gnomAD v4.1: 27 of 1,612,924 alleles (0.0017%); highest among the groups gnomAD compares: Admixed American, 0.033%; no homozygotes.

Submission:

Labcorp Genetics (formerly Invitae), Labcorp
Classification: Uncertain significance. Last evaluated: 2025-11-11. Review status: criteria provided, single submitter. Criteria: Invitae Variant Classification Sherloc (09022015). Collection method: clinical testing. Allele origin: germline.
Comment: This sequence change replaces arginine, which is basic and polar, with glutamine, which is neutral and polar, at codon 50 of the CFB protein (p.Arg50Gln). This variant is present in population databases (rs769314843, gnomAD 0.04%), and has an allele count higher than expected for a pathogenic variant. This variant has not been reported in the literature in individuals affected with CFB-related conditions. ClinVar contains an entry for this variant (Variation ID: 1422280). Invitae Evidence Modeling of protein sequence and biophysical properties (such as structural, functional, and spatial information, amino acid conservation, physicochemical variation, residue mobility, and thermodynamic stability) indicates that this missense variant is not expected to disrupt CFB protein function with a negative predictive value of 80%. In summary, the available evidence is currently insufficient to determine the role of this variant in disease. Therefore, it has been classified as a Variant of Uncertain Significance.